The following is an entry in ClinVar:

ClinVar aggregate classification (germline): Conflicting classifications of pathogenicity. Review status: criteria provided, conflicting classifications (1 of 4 stars). 2 submissions from 2 submitters: Uncertain significance (1); Benign (1). Last evaluated 2025-05-22.

Conditions:
Hereditary cancer-predisposing syndrome. Also called: Tumor predisposition; Hereditary Cancer Syndrome; Hereditary neoplastic syndrome; Neoplastic Syndromes, Hereditary. Identifiers: Orphanet 140162, MedGen C0027672, MeSH D009386, MONDO:0015356.
Hereditary breast ovarian cancer syndrome. Also called: Hereditary breast and ovarian cancer syndrome; Breast and ovarian cancer; BRCA1- and BRCA2-Associated Hereditary Breast and Ovarian Cancer; Hereditary breast and ovarian cancer syndrome (HBOC); Hereditary breast and ovarian cancer; Hereditary breast and/or ovarian cancer syndrome. Identifiers: Orphanet 145, MedGen C0677776, MeSH D061325, MONDO:0003582. Disease mechanism: loss of function.

gnomAD v4.1: 1 of 1,613,898 alleles (0.000062%); highest among the groups gnomAD compares: Non-Finnish European, 0.000085%; no homozygotes.

Submissions (2):

Ambry Genetics
Classification: Benign for Hereditary cancer-predisposing syndrome. Last evaluated: 2025-05-22. Review status: criteria provided, single submitter. Criteria: Ambry Variant Classification Scheme 2023. Collection method: clinical testing. Allele origin: germline.

Labcorp Genetics (formerly Invitae), Labcorp
Classification: Uncertain significance for Hereditary breast ovarian cancer syndrome. Last evaluated: 2022-02-04. Review status: criteria provided, single submitter. Criteria: Invitae Variant Classification Sherloc (09022015). Collection method: clinical testing. Allele origin: germline.
Comment: In summary, the available evidence is currently insufficient to determine the role of this variant in disease. Therefore, it has been classified as a Variant of Uncertain Significance. Advanced modeling of protein sequence and biophysical properties (such as structural, functional, and spatial information, amino acid conservation, physicochemical variation, residue mobility, and thermodynamic stability) performed at Invitae indicates that this missense variant is not expected to disrupt BRCA2 protein function. This variant has not been reported in the literature in individuals affected with BRCA2-related conditions. This variant is present in population databases (no rsID available, gnomAD 0.0009%). This sequence change replaces asparagine, which is neutral and polar, with threonine, which is neutral and polar, at codon 2930 of the BRCA2 protein (p.Asn2930Thr).

NM_000059.4(BRCA2):c.8789A>C (p.Asn2930Thr)

Gene: BRCA2 (BRCA2 DNA repair associated; plus strand). Cytogenetic location: 13q13.1.
Variant type: single nucleotide variant.
Coding change: c.8789A>C on transcript NM_000059.4 (MANE Select); coding-DNA position 8789, A replaced by C.
Protein change: p.Asn2930Thr; replaces asparagine 2930 with threonine.
Molecular consequence: missense variant.
Genome position (GRCh38, 1-based): chr13:32,379,351, A>C. VCF-style: chr13-32379351-A-C. GRCh37 (hg19) VCF-style: chr13-32953488-A-C.
Other names: c.8789A>C (NM_000059.3); short protein forms N2930T.
Identifiers: ClinVar variation 2093017 (VCV002093017.6), dbSNP rs397508008, ClinGen allele CA387755905.